The following is an entry in ClinVar:

ClinVar aggregate classification (germline): Pathogenic (1 of 4 stars; one submission).

Conditions:
Hereditary cancer-predisposing syndrome. Also called: Tumor predisposition; Hereditary neoplastic syndrome; Neoplastic Syndromes, Hereditary; Hereditary Cancer Syndrome. Identifiers: Orphanet 140162, MedGen C0027672, MeSH D009386, MONDO:0015356.

Submission:

Ambry Genetics
Classification: Pathogenic for Hereditary cancer-predisposing syndrome. Last evaluated: 2025-05-19. Review status: criteria provided, single submitter. Criteria: Ambry Variant Classification Scheme 2023. Collection method: clinical testing. Allele origin: germline.
Comment: The c.1649_1650dupAG pathogenic mutation, located in coding exon 9 of the BRCA2 gene, results from a duplication of AG at nucleotide position 1649, causing a translational frameshift with a predicted alternate stop codon (p.D551Rfs*8). This variant is considered to be rare based on population cohorts in the Genome Aggregation Database (gnomAD). This alteration is expected to result in loss of function by premature protein truncation or nonsense-mediated mRNA decay. As such, this alteration is interpreted as a disease-causing mutation.

NM_000059.4(BRCA2):c.1649_1650dup (p.Asp551fs)

Gene: BRCA2 (BRCA2 DNA repair associated; plus strand). Cytogenetic location: 13q13.1.
Variant type: Duplication.
Coding change: c.1649_1650dup on transcript NM_000059.4 (MANE Select); coding-DNA positions 1649 to 1650, 2 bases duplicated (AG; older notation c.1649_1650dupAG).
Protein change: p.Asp551fs; shifts the reading frame from aspartic acid 551.
Molecular consequence: frameshift variant. On other transcripts: non-coding transcript variant (1), intron variant (1).
Genome position (GRCh38, 1-based): chr13:32,333,127-32,333,128, AG duplicated; duplicating any 2 consecutive bases within chr13:32,333,126-32,333,128 gives the same sequence; the c. name uses the placement nearest the transcript's 3' end. VCF-style (leftmost placement, unchanged base first): chr13-32333125-G-GGA. GRCh37 (hg19) VCF-style: chr13-32907262-G-GGA.
Other names: c.1649_1650dupAG (NM_000059.3); c.1649_1650dup, p.Asp551fs (NM_001406719.1, NM_001406720.1, NM_001406721.1 and 1 more transcripts); c.424+2097_424+2098dup (NM_001406722.1); short protein forms D551fs.
Identifiers: ClinVar variation 3992822 (VCV003992822.1).